The following is an entry in ClinVar:

ClinVar aggregate classification (germline): Benign/Likely benign. Review status: criteria provided, multiple submitters, no conflicts (2 of 4 stars). 2 submissions from 2 submitters: Benign (1); Likely benign (1). Last evaluated 2026-07-02.

Conditions:
Sessile serrated polyposis cancer syndrome (SSPCS). Identifiers: Orphanet 157798, MedGen C4310714, MONDO:0014919, OMIM 617108.

Submissions (2):

Myriad Genetics, Inc.
Classification: Benign for Sessile serrated polyposis cancer syndrome. Last evaluated: 2026-07-02. Review status: criteria provided, single submitter. Criteria: Myriad Autosomal Dominant, Autosomal Recessive and X-Linked Classification Criteria (2023). Collection method: clinical testing. Allele origin: unknown.
Comment: This variant is considered benign. This variant is a silent/synonymous amino acid change and it is not expected to impact splicing.

Ambry Genetics
Classification: Likely benign. Last evaluated: 2026-02-16. Review status: criteria provided, single submitter. Criteria: Ambry Variant Classification Scheme 2023. Collection method: clinical testing. Allele origin: germline.

NM_017763.6(RNF43):c.1812A>G (p.Ala604=)

Gene: RNF43 (ring finger protein 43; minus strand). Cytogenetic location: 17q22.
Variant type: single nucleotide variant.
Coding change: c.1812A>G on transcript NM_017763.6 (MANE Select); coding-DNA position 1812, A replaced by G.
Protein change: p.Ala604=; no amino-acid change (alanine 604 retained).
Molecular consequence: synonymous variant.
Genome position (GRCh38, 1-based): chr17:58,357,964, T>C on the plus strand (A>G on the coding strand, the complement: RNF43 is on the minus strand). VCF-style: chr17-58357964-T-C. GRCh37 (hg19) VCF-style: chr17-56435325-T-C.
Other names: c.1431A>G, p.Ala477= (NM_001437987.1, NM_001305545.2); c.1812A>G, p.Ala604= (NM_001438820.1, NM_001438821.1, NM_001438822.1 and 1 more transcripts).
Identifiers: ClinVar variation 4844781 (VCV004844781.2).